The following is an entry in ClinVar:

NC_000016.9:g.(?_97132)_(163851_?)del

Genes: SNRNP25 (small nuclear ribonucleoprotein U11/U12 subunit 25; plus strand), HBA2 (hemoglobin subunit alpha 2; plus strand), MPG (N-methylpurine DNA glycosylase; plus strand), NPRL3 (NPR3 like, GATOR1 complex subunit; minus strand), POLR3K (RNA polymerase III subunit K; minus strand) and 1 more. Cytogenetic location: 16p13.3.
Variant type: Deletion.
Identifiers: ClinVar variation 1459499 (VCV001459499.5).

ClinVar aggregate classification (germline): Pathogenic (1 of 4 stars; one submission).

Submission:

Labcorp Genetics (formerly Invitae), Labcorp
Classification: Pathogenic. Last evaluated: 2022-02-21. Review status: criteria provided, single submitter. Criteria: Invitae Variant Classification Sherloc (09022015). Collection method: clinical testing. Allele origin: germline.
Comment: For these reasons, this variant has been classified as Pathogenic. Experimental studies have shown that deletion of this regulatory region (known as HS40, MCS-2, MCS-R, and MSC-R2) results in severely reduced, although not absent, alpha-globin gene expression (PMID: 7620173, 2253879, 8248238, 19696202). This variant has been observed in individuals with alpha-thalassemia and HbH disease (PMID: 20110179, 20580289, 20864588, 26915575). It has also been observed to segregate with disease in related individuals. This variant is a gross deletion of the genomic region encompassing a regulatory region (HS40) located approximately 40kb upstream of the alpha globin gene cluster. It does not change the encoded amino acid sequence of the HBA1 or HBA2 proteins, but has been reported to affect alpha globin gene expression.

Literature cited by the submitters: PubMed 7620173; PubMed 2253879; PubMed 8248238; PubMed 19696202; PubMed 20110179; PubMed 20580289; PubMed 20864588; PubMed 26915575.